The following is an entry in ClinVar:

ClinVar aggregate classification (germline): Uncertain significance (1 of 4 stars; one submission).

Conditions:
Inborn genetic diseases. Identifiers: MedGen C0950123, MeSH D030342.

Submission:

Ambry Genetics
Classification: Uncertain significance for Inborn genetic diseases. Last evaluated: 2024-08-07. Review status: criteria provided, single submitter. Criteria: Ambry Variant Classification Scheme 2023. Collection method: clinical testing. Allele origin: germline.
Comment: The p.C663Y variant (also known as c.1988G>A), located in coding exon 21 of the ERCC2 gene, results from a G to A substitution at nucleotide position 1988. The cysteine at codon 663 is replaced by tyrosine, an amino acid with highly dissimilar properties. This amino acid position is conserved. In addition, this alteration is predicted to be deleterious by in silico analysis. Based on the available evidence, the clinical significance of this variant remains unclear.

NM_000400.4(ERCC2):c.1988G>A (p.Cys663Tyr)

Gene: ERCC2 (ERCC excision repair 2, TFIIH core complex helicase subunit; minus strand). Cytogenetic location: 19q13.32.
Variant type: single nucleotide variant.
Coding change: c.1988G>A on transcript NM_000400.4 (MANE Select); coding-DNA position 1988, G replaced by A.
Protein change: p.Cys663Tyr; replaces cysteine 663 with tyrosine.
Molecular consequence: missense variant.
Genome position (GRCh38, 1-based): chr19:45,352,564, C>T on the plus strand (G>A on the coding strand, the complement: ERCC2 is on the minus strand). VCF-style: chr19-45352564-C-T. GRCh37 (hg19) VCF-style: chr19-45855822-C-T.
Other names: short protein forms C663Y.
Identifiers: ClinVar variation 3509837 (VCV003509837.1).
Genomic context (GRCh38, chr19:45,352,564, plus strand): 5'-ACCTTGTCGGCAAAGACCATGAGGCCGTAGTCCGTCTTGCCCCTGATGGCCCGACCCACA[C>T]ACTGGGCCGCGTGGCGCATGGCATCGAAGGTAAGAAAGTCATTCTCACGAATCTGGAACT-3'
Protein context (NP_000391.1, residues 653-673): TFDAMRHAAQ[Cys663Tyr]VGRAIRGKTD